The following is an entry in ClinVar:

NM_014425.5(INVS):c.1561A>C (p.Asn521His)

Gene: INVS (inversin; plus strand). Cytogenetic location: 9q31.1.
Variant type: single nucleotide variant.
Coding change: c.1561A>C on transcript NM_014425.5 (MANE Select); coding-DNA position 1561, A replaced by C.
Protein change: p.Asn521His; replaces asparagine 521 with histidine.
Molecular consequence: missense variant. On other transcripts: non-coding transcript variant (1).
Genome position (GRCh38, 1-based): chr9:100,264,918, A>C. VCF-style: chr9-100264918-A-C. GRCh37 (hg19) VCF-style: chr9-103027200-A-C.
Other names: c.1273A>C, p.Asn425His (NM_001318381.2); c.583A>C, p.Asn195His (NM_001318382.2); short protein forms N521H, N195H, N425H.
Identifiers: ClinVar variation 1346512 (VCV001346512.8), dbSNP rs2118629746, ClinGen allele CA374236715.

ClinVar aggregate classification (germline): Uncertain significance (1 of 4 stars; one submission).

Conditions:
Nephronophthisis. Also called: Juvenile Nephronophthisis. Identifiers: Orphanet 655, MedGen C0687120, MONDO:0019005, HP:0000090.

Submission:

Labcorp Genetics (formerly Invitae), Labcorp
Classification: Uncertain significance for Nephronophthisis. Last evaluated: 2023-10-03. Review status: criteria provided, single submitter. Criteria: Invitae Variant Classification Sherloc (09022015). Collection method: clinical testing. Allele origin: germline.
Comment: This sequence change replaces asparagine, which is neutral and polar, with histidine, which is basic and polar, at codon 521 of the INVS protein (p.Asn521His). This variant is not present in population databases (gnomAD no frequency). This variant has not been reported in the literature in individuals affected with INVS-related conditions. ClinVar contains an entry for this variant (Variation ID: 1346512). An algorithm developed to predict the effect of missense changes on protein structure and function (PolyPhen-2) suggests that this variant is likely to be tolerated. In summary, the available evidence is currently insufficient to determine the role of this variant in disease. Therefore, it has been classified as a Variant of Uncertain Significance.